The following is an entry in ClinVar:

ClinVar aggregate classification (germline): Likely pathogenic. Review status: criteria provided, multiple submitters, no conflicts (2 of 4 stars). 2 submissions from 2 submitters: Likely pathogenic (2). Last evaluated 2021-01-11.

Conditions:
Dilated cardiomyopathy 1G (CMD1G). Identifiers: Orphanet 154, MedGen C1858763, MONDO:0011400, OMIM 604145.
Autosomal recessive limb-girdle muscular dystrophy type 2J (LGMDR10). Also called: Limb-girdle muscular dystrophy, type 2J; MUSCULAR DYSTROPHY, LIMB-GIRDLE, AUTOSOMAL RECESSIVE 10. Identifiers: Orphanet 140922, MedGen C1837342, MONDO:0012127, OMIM 608807.
Cardiovascular phenotype. Identifiers: MedGen CN230736.

Submissions (2):

Ambry Genetics
Classification: Likely pathogenic for Cardiovascular phenotype. Last evaluated: 2021-01-11. Review status: criteria provided, single submitter. Criteria: Ambry Variant Classification Scheme 2023. Collection method: clinical testing. Allele origin: germline.
Comment: The c.24008_24029dup22 variant, located in coding exon 98 of the TTN gene, results from a duplication of 22 nucleotides at positions 24008 to 24029, causing a translational frameshift with a predicted alternate stop codon (p.P8013Sfs*4). This exon is located in the A-band region of the N2-B isoform of the titin protein and is constitutively expressed in TTN transcripts (percent spliced in or PSI 100%). This alteration is expected to result in loss of function by premature protein truncation or nonsense-mediated mRNA decay. While truncating variants in TTN are present in 1-3% of the general population, truncating variants in the A-band are the most common cause of dilated cardiomyopathy (DCM) (Herman DS et al. N. Engl. J. Med., 2012 Feb;366:619-28; Roberts AM et al. Sci Transl Med, 2015 Jan;7:270ra6). TTN truncating variants encoded in constitutive exons (PSI >90%) have been found to be significantly associated with DCM regardless of their position in titin (Schafer S et al. Nat. Genet., 2017 01;49:46-53). As such, this alteration is classified as likely pathogenic.

Labcorp Genetics (formerly Invitae), Labcorp
Classification: Likely pathogenic for Dilated cardiomyopathy 1G; Autosomal recessive limb-girdle muscular dystrophy type 2J. Last evaluated: 2020-12-29. Review status: criteria provided, single submitter. Criteria: Invitae Variant Classification Sherloc (09022015). Collection method: clinical testing. Allele origin: germline.
Comment: This variant is located in the A band of TTN (PMID: 25589632). Truncating variants in this region are significantly overrepresented in patients affected with dilated cardiomyopathy (PMID: 25589632). Truncating variants in this region have also been reported in individuals affected with autosomal recessive centronuclear myopathy (PMID: 23975875). This variant has not been reported in the literature in individuals with TTN-related conditions. This variant is not present in population databases (ExAC no frequency). This sequence change creates a premature translational stop signal (p.Pro17078Serfs*4) in the TTN gene. While this is not anticipated to result in nonsense mediated decay, it is expected to create a truncated TTN protein. In summary, the currently available evidence indicates that the variant is pathogenic, but additional data are needed to prove that conclusively. Therefore, this variant has been classified as Likely Pathogenic.

Literature cited by the submitters: PubMed 25589632 (cited by Labcorp Genetics (formerly Invitae), Labcorp); PubMed 23975875 (cited by Labcorp Genetics (formerly Invitae), Labcorp).

NM_001267550.2(TTN):c.51203_51224dup (p.Thr17077_Pro17078insSerArgIleTerGlyThr)

Genes: TTN-AS1 (TTN antisense RNA 1; plus strand), TTN (titin; minus strand). Cytogenetic location: 2q31.2.
Variant type: Duplication.
Coding change: c.51203_51224dup on transcript NM_001267550.2 (MANE Select); coding-DNA positions 51203 to 51224, 22 bases duplicated (GGGAACCTCCAGAATTTGATGG).
Protein change: p.Thr17077_Pro17078insSerArgIleTerGlyThr.
Molecular consequence: nonsense, inframe insertion.
Genome position (GRCh38, 1-based): chr2:178,610,302-178,610,323, CCATCAAATTCTGGAGGTTCCC duplicated on the plus strand (GGGAACCTCCAGAATTTGATGG on the coding strand, the reverse complement: TTN is on the minus strand). VCF-style (leftmost placement, unchanged base first): chr2-178610301-A-ACCATCAAATTCTGGAGGTTCCC. GRCh37 (hg19) VCF-style: chr2-179475028-A-ACCATCAAATTCTGGAGGTTCCC.
Other names: c.46280_46301dup, p.Thr15436_Pro15437insSerArgIleTerGlyThr (NM_001256850.1); c.24008_24029dup, p.Thr8012_Pro8013insSerArgIleTerGlyThr (NM_003319.4); c.43499_43520dup, p.Thr14509_Pro14510insSerArgIleTerGlyThr (NM_133378.4); c.24383_24404dup, p.Thr8137_Pro8138insSerArgIleTerGlyThr (NM_133432.3); c.24584_24605dup, p.Thr8204_Pro8205insSerArgIleTerGlyThr (NM_133437.4); c.24008_24029dupGGGAACCTCCAGAATTTGATGG (NM_003319.4).
Identifiers: ClinVar variation 1491310 (VCV001491310.10), dbSNP rs2154198963, ClinGen allele CA2573133793.
Genomic context (GRCh38, chr2:178,610,301, plus strand): 5'-TATATATGTTCTCCTCCCAGCTTCTCTGCGCTCCAGGACATAATGAAGAATTGGGGTTCC[A>ACCATCAAATTCTGGAGGTTCCC]CCATCAAATTCTGGAGGTTCCCAAGTTAACTTACAAGAACTCTTGGTAATGTCACTTGCT-3'